The following is an entry in ClinVar:

NM_001375524.1(TRRAP):c.11006C>T (p.Ala3669Val)

Gene: TRRAP (transformation/transcription domain associated protein; plus strand). Cytogenetic location: 7q22.1.
Variant type: single nucleotide variant.
Coding change: c.11006C>T on transcript NM_001375524.1 (MANE Select); coding-DNA position 11006, C replaced by T.
Protein change: p.Ala3669Val; replaces alanine 3669 with valine.
Molecular consequence: missense variant.
Genome position (GRCh38, 1-based): chr7:99,011,119, C>T. VCF-style: chr7-99011119-C-T. GRCh37 (hg19) VCF-style: chr7-98608742-C-T.
Other names: c.10964C>T, p.Ala3655Val (NM_001244580.2); c.10877C>T, p.Ala3626Val (NM_003496.4); c.10964C>T (NM_001244580.1); short protein forms A3626V, A3655V, A3669V.
Identifiers: ClinVar variation 1028622 (VCV001028622.2), dbSNP rs1282574422, ClinGen allele CA368342143.

ClinVar aggregate classification (germline): Uncertain significance. Review status: criteria provided, multiple submitters, no conflicts (2 of 4 stars). 2 submissions from 2 submitters: Uncertain significance (2). Last evaluated 2024-09-22.

Conditions:
Developmental delay with or without dysmorphic facies and autism. Identifiers: MedGen C5193106, MONDO:0032760, OMIM 618454.

Allele frequency attached by ClinVar (database versions not stated): gnomAD exomes below 0.00001; TOPMed below 0.00001; gnomAD 0.00001.
gnomAD v4.1: 4 of 1,614,036 alleles (0.00025%); highest among the groups gnomAD compares: African/African-American, 0.0013%; no homozygotes.

Submissions (2):

Genomic Medicine Center of Excellence, King Faisal Specialist Hospital and Research Centre
Classification: Uncertain significance for Developmental delay with or without dysmorphic facies and autism. Last evaluated: 2024-09-22. Review status: criteria provided, single submitter. Criteria: ACMG Guidelines, 2015. Collection method: clinical testing. Allele origin: germline.

Baylor Genetics
Classification: Uncertain significance for Developmental delay with or without dysmorphic facies and autism. Last evaluated: 2020-05-05. Review status: criteria provided, single submitter. Criteria: ACMG Guidelines, 2015. Collection method: clinical testing. Allele origin: unknown. Affected: yes.
Comment: This variant was determined to be of uncertain significance according to ACMG Guidelines, 2015 [PMID:25741868].